The following is an entry in ClinVar:

ClinVar aggregate classification (germline): Pathogenic/Likely pathogenic. Review status: criteria provided, multiple submitters, no conflicts (2 of 4 stars). 6 submissions from 6 submitters: Pathogenic (1); Likely pathogenic (5). Last evaluated 2026-08-11.

Conditions:
IFT140-related disorder. Also called: IFT140-related condition.
Saldino-Mainzer syndrome (SRTD9). Also called: short-rib thoracic dysplasia 9 with or without polydactyly; CONORENAL SYNDROME; Renal dysplasia, retinal pigmentary dystrophy, cerebellar ataxia and skeletal dysplasia; SHORT-RIB THORACIC DYSPLASIA 9 WITHOUT POLYDACTYLY. Identifiers: Orphanet 140969, MedGen C1849437, MONDO:0009964, OMIM 266920.
IFT140-related disorders.
Autosomal recessive IFT140-related disorders.
Retinitis pigmentosa 80 (RP80). Identifiers: MedGen C4540439, MONDO:0054708, OMIM 617781.

Submissions (6):

PreventionGenetics, part of Exact Sciences
Classification: Likely pathogenic for IFT140-related condition. Last evaluated: 2026-08-11. Review status: criteria provided, single submitter. Criteria: ACMG Guidelines, 2015. Collection method: clinical testing. Allele origin: germline.
Comment: The IFT140 c.482dupC variant is predicted to result in a frameshift and premature protein termination (p.Pro162Serfs*16). To our knowledge, this variant has not been previously reported in the literature in association with disease. This variant is reported in 0.0016% of alleles in individuals of European (Non-Finnish) descent in gnomAD. Frameshift variants in IFT140 are expected to be pathogenic. This variant is interpreted as likely pathogenic.

Variantyx, Inc.
Classification: Likely pathogenic for Autosomal recessive IFT140-related disorders. Last evaluated: 2025-06-17. Review status: criteria provided, single submitter. Criteria: Variantyx Assertion Criteria 2022. Collection method: clinical testing. Allele origin: germline. Inheritance: Autosomal recessive inheritance. Affected: no.
Comment: This is a frameshift variant in the IFT140 gene (OMIM: 614620). Pathogenic variants in this gene have been associated with autosomal recessive IFT140-related disorders. This variant introduces a premature termination codon in exon 6 out of 31 and is expected to result in loss of function, which is a known disease mechanism for IFT140 in these disorders(PMID: 2503633, 23418020, 26216056) (PVS1). This variant has a 0.0029% maximum allele frequency in non-founder control populations (PM2), and it has not been reported in individuals with IFT140-related disorders in the databases available for review. Based on the current evidence, this variant is classified as likely pathogenic for autosomal recessive IFT140-related disorders.

Labcorp Genetics (formerly Invitae), Labcorp
Classification: Pathogenic for Saldino-Mainzer syndrome. Last evaluated: 2025-04-17. Review status: criteria provided, single submitter. Criteria: Invitae Variant Classification Sherloc (09022015). Collection method: clinical testing. Allele origin: germline.
Comment: This sequence change creates a premature translational stop signal (p.Pro162Serfs*16) in the IFT140 gene. It is expected to result in an absent or disrupted protein product. Loss-of-function variants in IFT140 are known to be pathogenic (PMID: 22503633, 23418020, 24009529, 26216056). The frequency data for this variant in the population databases is considered unreliable, as metrics indicate poor data quality at this position in the gnomAD database. This variant has not been reported in the literature in individuals affected with IFT140-related conditions. ClinVar contains an entry for this variant (Variation ID: 1074487). For these reasons, this variant has been classified as Pathogenic.

Fulgent Genetics
Classification: Likely pathogenic for Saldino-Mainzer syndrome; Retinitis pigmentosa 80. Last evaluated: 2024-05-11. Review status: criteria provided, single submitter. Criteria: ACMG Guidelines, 2015. Collection method: clinical testing. Allele origin: germline.

Blueprint Genetics
Classification: Likely pathogenic for IFT140-related disorders. Last evaluated: 2023-10-26. Review status: criteria provided, single submitter. Criteria: ACMG Guidelines, 2015. Collection method: clinical testing. Allele origin: germline. Affected: yes. Observed: 1 variant allele.

Broad Center for Mendelian Genomics, Broad Institute of MIT and Harvard
Classification: Likely pathogenic for Retinitis pigmentosa 80. Last evaluated: 2023-01-25. Review status: criteria provided, single submitter. Criteria: ACMG Guidelines, 2015. Collection method: curation. Allele origin: germline. Inheritance: Autosomal recessive inheritance.
Comment: The p.Pro162SerfsTer16 variant in IFT140 has not been previously reported in individuals with retinitis pigmentosa 80 but has been identified in 0.003% (2/68042) of European (non-Finnish) chromosomes by the Genome Aggregation Database (gnomAD; dbSNP ID: rs763737398). Although this variant has been seen in the general population in a heterozygous state, its frequency is low enough to be consistent with a recessive carrier frequency. This variant has also been reported in ClinVar (Variation ID: 1074487) and has been interpreted as pathogenic by Invitae. This variant is predicted to cause a frameshift, which alters the protein‚Äôs amino acid sequence beginning at position 162 and leads to a premature termination codon 16 amino acids downstream. This alteration is then predicted to lead to a truncated or absent protein. Loss of function of the IFT140 gene is an established disease mechanism in autosomal recessive retinitis pigmentosa 80. In summary, although additional studies are required to fully establish its clinical significance, this variant is likely pathogenic for retinitis pigmentosa 80. ACMG/AMP Criteria applied: PVS1, PM2_Supporting (Richards 2015).

Literature cited by the submitters: PubMed 2503633 (cited by Variantyx, Inc.); PubMed 23418020 (cited by Variantyx, Inc. and Labcorp Genetics (formerly Invitae), Labcorp); PubMed 24009529 (cited by Variantyx, Inc. and Labcorp Genetics (formerly Invitae), Labcorp); PubMed 26216056 (cited by Variantyx, Inc. and Labcorp Genetics (formerly Invitae), Labcorp); PubMed 22503633 (cited by Labcorp Genetics (formerly Invitae), Labcorp).

NM_014714.4(IFT140):c.482dup (p.Pro162fs)

Genes: IFT140 (intraflagellar transport 140; minus strand), LOC105371046 (uncharacterized LOC105371046; plus strand). Cytogenetic location: 16p13.3.
Variant type: Duplication.
Coding change: c.482dup on transcript NM_014714.4 (MANE Select); coding-DNA position 482, one base duplicated (C; older notation c.482dupC).
Protein change: p.Pro162fs; shifts the reading frame from proline 162.
Molecular consequence: frameshift variant.
Genome position (GRCh38, 1-based): chr16:1,592,476, G duplicated on the plus strand (C on the coding strand, the reverse complement: IFT140 is on the minus strand); the first of 6 consecutive G bases (chr16:1,592,476-1,592,481); duplicating any one gives the same sequence. VCF-style (leftmost placement, unchanged base first): chr16-1592475-A-AG. GRCh37 (hg19) VCF-style: chr16-1642476-A-AG.
Other names: NM_014714.4(IFT140):c.482dup; p.Pro162fs; c.482dupC (NM_014714.3); short protein forms P162fs.
Identifiers: ClinVar variation 1074487 (VCV001074487.10), dbSNP rs763737398, ClinGen allele CA7814689.